The following is an entry in ClinVar:

ClinVar aggregate classification (germline): Pathogenic/Likely pathogenic. Review status: criteria provided, multiple submitters, no conflicts (2 of 4 stars). 9 submissions from 9 submitters: Pathogenic (8); Likely pathogenic (1). Last evaluated 2026-04-14.

Conditions:
NF1-related disorder. Also called: NF1-related condition. Identifiers: MedGen CN379171.
Hereditary cancer-predisposing syndrome. Also called: Neoplastic Syndromes, Hereditary; Hereditary Cancer Syndrome; Tumor predisposition; Hereditary neoplastic syndrome. Identifiers: Orphanet 140162, MedGen C0027672, MeSH D009386, MONDO:0015356.
Cardiovascular phenotype. Identifiers: MedGen CN230736.
Neurofibromatosis, familial spinal (FSNF). Identifiers: Orphanet 636, MedGen C1834235, MONDO:0008078, OMIM 162210. Disease mechanism: loss of function.
Juvenile myelomonocytic leukemia (JMML). Also called: LEUKEMIA, JUVENILE MYELOMONOCYTIC, SOMATIC. Identifiers: Orphanet 86834, MedGen C0349639, MONDO:0011908, OMIM 607785, HP:0012209.
Neurofibromatosis-Noonan syndrome (NFNS). Also called: NEUROFIBROMATOSIS WITH NOONAN PHENOTYPE. Identifiers: Orphanet 638, MedGen C2931482, MONDO:0011035, OMIM 601321. Disease mechanism: loss of function.
Café-au-lait macules with pulmonary stenosis (WTSN). Also called: PULMONIC STENOSIS WITH CAFE-AU-LAIT SPOTS. Identifiers: MedGen C0553586, MONDO:0008672, OMIM 193520.
Neurofibromatosis, type 1 (NF1). Also called: VON RECKLINGHAUSEN DISEASE; NEUROFIBROMATOSIS, TYPE I, SOMATIC; Peripheral type neurofibromatosis; Neurofibromatosis, type I. Identifiers: Orphanet 636, MedGen C0027831, MONDO:0018975, OMIM 162200. Disease mechanism: loss of function.

Submissions (9):

Ambry Genetics
Classification: Pathogenic for Cardiovascular phenotype; Hereditary cancer-predisposing syndrome. Last evaluated: 2026-04-14. Review status: criteria provided, single submitter. Criteria: Ambry Variant Classification Scheme 2023. Collection method: clinical testing. Allele origin: germline.
Comment: The c.2851-6_2851-3delCTTT intronic pathogenic mutation, located in intron 21 of the NF1 gene, results from a deletion of 4 nucleotides within intron 21 of the NF1 gene. This variant was reported in individual(s) with features consistent with neurofibromatosis type 1 (Messiaen LM et al. Hum Mutat, 2000;15:541-55; Cal&igrave; F et al. Eur J Med Genet, 2017 Feb;60:93-99; Ambry internal data). In silico splice site analysis predicts that this alteration may result in the creation or strengthening of a novel splice acceptor site. RNA studies have demonstrated that this alteration results in skipping of exon 22 (Messiaen LM et al. Hum Mutat, 2000;15:541-55; Wimmer K et al. Hum Mutat, 2020 06;41:1145-1156; Ambry internal data). This variant is considered to be rare based on population cohorts in the Genome Aggregation Database (gnomAD). Based on the supporting evidence, this alteration is interpreted as a disease-causing mutation.

Labcorp Genetics (formerly Invitae), Labcorp
Classification: Pathogenic for Neurofibromatosis, type 1. Last evaluated: 2025-12-19. Review status: criteria provided, single submitter. Criteria: Invitae Variant Classification Sherloc (09022015). Collection method: clinical testing. Allele origin: germline.
Comment: This sequence change falls in intron 21 of the NF1 gene. It does not directly change the encoded amino acid sequence of the NF1 protein. RNA analysis indicates that this variant induces altered splicing and may result in an absent or altered protein product. This variant is not present in population databases (gnomAD no frequency). This variant has been observed in individual(s) with clinical features of neurofibromatosis type 1 (PMID: 10862084, 27838393; internal data). In at least one individual the variant was observed to be de novo. Invitae Evidence Modeling of clinical and family history, age, sex, and reported ancestry of multiple individuals with this NF1 variant has been performed. This variant is expected to be pathogenic with a positive predictive value of at least 99%. This is a validated machine learning model that incorporates the clinical features of 1,785,918 individuals referred to our laboratory for NF1 testing. This variant is also known as IVS16-6del4. ClinVar contains an entry for this variant (Variation ID: 647632). Variants that disrupt the consensus splice site are a relatively common cause of aberrant splicing (PMID: 17576681, 9536098). Studies have shown that this variant results in skipping of exon 22, and produces a non-functional protein and/or introduces a premature termination codon (internal data). For these reasons, this variant has been classified as Pathogenic.

CeGaT Center for Human Genetics Tuebingen
Classification: Pathogenic. Last evaluated: 2025-07-01. Review status: criteria provided, single submitter. Criteria: CeGaT Center For Human Genetics Tuebingen Variant Classification Criteria Version 2. Collection method: clinical testing. Allele origin: germline. Affected: yes. Observed: 2 variant alleles.
Comment: NF1: PVS1, PM2, PS4:Moderate

Blueprint Genetics
Classification: Pathogenic for NF1-related disorders. Last evaluated: 2023-01-16. Review status: criteria provided, single submitter. Criteria: ACMG Guidelines, 2015. Collection method: clinical testing. Allele origin: germline. Affected: yes. Observed: 1 variant allele.

Genome-Nilou Lab
Classification: Pathogenic for Neurofibromatosis, type 1. Last evaluated: 2022-03-15. Review status: criteria provided, single submitter. Criteria: ACMG Guidelines, 2015. Collection method: clinical testing. Allele origin: germline. Affected: no.

Fulgent Genetics
Classification: Pathogenic for Neurofibromatosis, type 1; Neurofibromatosis, familial spinal; Café-au-lait macules with pulmonary stenosis; Neurofibromatosis-Noonan syndrome; Juvenile myelomonocytic leukemia. Last evaluated: 2021-09-16. Review status: criteria provided, single submitter. Criteria: ACMG Guidelines, 2015. Collection method: clinical testing. Allele origin: unknown.

Institute of Human Genetics, Medical University Innsbruck
Classification: Pathogenic for Neurofibromatosis, type 1. Last evaluated: 2020-01-20. Review status: criteria provided, single submitter. Criteria: ACMG Guidelines, 2015. Collection method: clinical testing. Allele origin: germline. Affected: yes.

UAB Medical Genomics Laboratory, UAB Medicine
Classification: Pathogenic for Neurofibromatosis, type 1. Last evaluated: 2020-01-20. Review status: criteria provided, single submitter. Criteria: ACMG Guidelines, 2015. Collection method: clinical testing. Allele origin: germline. Affected: yes.

Juno Genomics, Hangzhou Juno Genomics, Inc
Classification: Likely pathogenic for Neurofibromatosis, type 1. Review status: criteria provided, single submitter. Criteria: ACMG Guidelines, 2015. Collection method: clinical testing. Allele origin: germline. Affected: yes.
Comment: Absent from controls (or at extremely low frequency if recessive) in Genome Aggregation Database, Exome Sequencing Project, 1000 Genomes Project, or Exome Aggregation Consortium.;The prevalence of the variant in affected individuals is significantly increased compared to the prevalence in controls.;Patient's phenotype or family history is highly specific for a disease with a single genetic etiology.;Well-established in vitro or in vivo functional studies supportive of a damaging effect on the gene or gene product.

Literature cited by the submitters: PubMed 10862084 (cited by Ambry Genetics and Labcorp Genetics (formerly Invitae), Labcorp); PubMed 27838393 (cited by Ambry Genetics and Labcorp Genetics (formerly Invitae), Labcorp); PubMed 32126153 (cited by Ambry Genetics and UAB Medical Genomics Laboratory, UAB Medicine); PubMed 17576681 (cited by Labcorp Genetics (formerly Invitae), Labcorp); PubMed 9536098 (cited by Labcorp Genetics (formerly Invitae), Labcorp); DOI 10.1002/humu.24005 (cited by Institute of Human Genetics, Medical University Innsbruck).

NM_001042492.3(NF1):c.2851-6_2851-3del

Gene: NF1 (neurofibromin 1; plus strand). Cytogenetic location: 17q11.2.
Variant type: Microsatellite.
Coding change: c.2851-6_2851-3del on transcript NM_001042492.3 (MANE Select); 6 bases into the intron before coding-DNA position 2851 through 3 bases into the intron before coding-DNA position 2851, 4 bases deleted (CTTT; older notation c.2851-6_2851-3delCTTT).
Molecular consequence: intron variant.
Genome position (GRCh38, 1-based): chr17:31,229,829-31,229,832, CTTT deleted; deleting any 4 consecutive bases within chr17:31,229,823-31,229,832 gives the same sequence; the c. name uses the placement nearest the transcript's 3' end. VCF-style (leftmost placement, unchanged base first): chr17-31229822-GTTCT-G. GRCh37 (hg19) VCF-style: chr17-29556840-GTTCT-G.
Other names: c.2851-6_2851-3delCTTT (NM_000267.3); c.2851-6_2851-3del (NM_000267.4).
Identifiers: ClinVar variation 647632 (VCV000647632.27), dbSNP rs1597716256, ClinGen allele CA658761038.